The following is an entry in ClinVar:

ClinVar aggregate classification (germline): Conflicting classifications of pathogenicity. Review status: criteria provided, conflicting classifications (1 of 4 stars). 15 submissions from 14 submitters: Pathogenic (4); Likely pathogenic (9); Uncertain significance (1). 1 of the submissions does not count toward it. Last evaluated 2026-08-12.

Conditions:
MPV17-related mitochondrial DNA maintenance defect. Also called: MPV17-Related Mitochondrial DNA Maintenance Syndrome. Identifiers: MedGen CN381055.
Charcot-Marie-Tooth disease, axonal, type 2EE. Also called: CHARCOT-MARIE-TOOTH NEUROPATHY, TYPE 2EE. Identifiers: MedGen C5193076, MONDO:0032728, OMIM 618400.
MPV17-related disorder. Also called: MPV17-related condition; MPV17-related disorders. Identifiers: MedGen CN239328.
Mitochondrial DNA depletion syndrome, hepatocerebral form. Identifiers: Orphanet 254871, MedGen C3711385, MONDO:0100512.
Mitochondrial DNA depletion syndrome 6 (hepatocerebral type). Also called: Mitochondrial DNA depletion syndrome type 6; NAVAJO NEUROPATHY; Navajo neurohepatopathy. Identifiers: Orphanet 255229, MedGen C1850406, MONDO:0009747, OMIM 256810.

Allele frequency attached by ClinVar (database versions not stated): gnomAD exomes 0.00001; gnomAD 0.00003 and 0.00002; ESP Exome Variant Server 0.00008; TOPMed 0.00002.
gnomAD v4.1: 55 of 1,613,900 alleles (0.0034%); highest among the groups gnomAD compares: Middle Eastern, 0.016%; no homozygotes.

Submissions (15):

PreventionGenetics, part of Exact Sciences
Classification: Likely pathogenic for MPV17-related condition. Last evaluated: 2026-08-12. Review status: criteria provided, single submitter. Criteria: ACMG Guidelines, 2015. Collection method: clinical testing. Allele origin: germline.
Comment: The MPV17 c.376-9T>G variant is predicted to interfere with splicing. This variant has been reported in both the homozygous state and in the compound heterozygous state in individuals with Charcot-Marie-Tooth disease (Baumann et al. 2019. PubMed ID: 30298599; Lee et al. 2019. PubMed ID: 31607746; Table S1, Schmidt et al. 2024. PubMed ID: 39039281). RT-PCR and RNAseq analysis from patient cells demonstrate this variant causes in-frame skipping of exon six (Baumann et al. 2019. PubMed ID: 30298599; Figure S4C, Lee et al. 2019. PubMed ID: 31607746). This variant is reported in 0.0023% of alleles in individuals of European (non-Finnish) descent in gnomAD, and the majority of the submitters to the ClinVar database classify this variant as pathogenic/likely pathogenic (Variation ID: 593343). Given the evidence, this variant is interpreted as likely pathogenic.

GeneDx
Classification: Pathogenic. Last evaluated: 2026-03-28. Review status: criteria provided, single submitter. Criteria: GeneDx Variant Classification Process June 2021. Collection method: clinical testing. Allele origin: germline.
Comment: Not observed at significant frequency in large population cohorts (gnomAD); This variant is associated with the following publications: (PMID: 30298599, 31607746, 39039281, 36833258, 41685349)

Natera, Inc.
Classification: Likely pathogenic for Mitochondrial DNA depletion syndrome, hepatocerebral form. Last evaluated: 2025-06-25. Review status: criteria provided, single submitter. Criteria: Natera Variant Classification Schema (03/2026). Collection method: clinical testing. Allele origin: germline.
Comment: The c.376-9T>G variant in MPV17 is an intronic variant located outside the canonical splice sites. This variant is rare in the general population with a frequency below the threshold expected for the associated phenotype(s). This variant has been observed in one or more individuals affected with the associated recessive disease, as either homozygous or compound heterozygous with a second variant (PMID: 30298599, 31607746). This variant has been observed to segregate in affected family members (PMID: 30298599). Functional studies show that this variant may disrupt protein function (PMID: 30298599). Computational prediction algorithms indicate this variant is likely to affect gene or protein function. Given the available evidence, this variant is classified as Likely Pathogenic.

Revvity Omics, Revvity
Classification: Likely pathogenic. Last evaluated: 2024-12-20. Review status: criteria provided, single submitter. Criteria: ACMG Guidelines, 2015. Collection method: clinical testing. Allele origin: germline.

Blueprint Genetics
Classification: Likely pathogenic for MPV17-related disorders. Last evaluated: 2024-10-11. Review status: criteria provided, single submitter. Criteria: ACMG Guidelines, 2015. Collection method: clinical testing. Allele origin: germline. Affected: yes. Observed: 4 variant alleles.

Baylor Genetics
Classification: Likely pathogenic for Charcot-Marie-Tooth disease, axonal, type 2EE. Last evaluated: 2024-03-05. Review status: criteria provided, single submitter. Criteria: ACMG Guidelines, 2015. Collection method: clinical testing. Allele origin: unknown.

Labcorp Genetics (formerly Invitae), Labcorp
Classification: Pathogenic. Last evaluated: 2023-12-10. Review status: criteria provided, single submitter. Criteria: Invitae Variant Classification Sherloc (09022015). Collection method: clinical testing. Allele origin: germline.
Comment: This sequence change falls in intron 5 of the MPV17 gene. It does not directly change the encoded amino acid sequence of the MPV17 protein. RNA analysis indicates that this variant induces altered splicing and likely results in a shortened protein product. This variant is present in population databases (rs368900406, gnomAD 0.003%). This variant has been observed in individual(s) with peripheral sensorimotor neuropathy (PMID: 30298599). It has also been observed to segregate with disease in related individuals. ClinVar contains an entry for this variant (Variation ID: 593343). Studies have shown that this variant results in skipping of exon 6, but is expected to preserve the integrity of the reading-frame (PMID: 30298599). For these reasons, this variant has been classified as Pathogenic.

Institute of Medical Genetics and Applied Genomics, University Hospital Tübingen
Classification: Pathogenic for Charcot-Marie-Tooth disease, axonal, type 2EE. Last evaluated: 2023-11-10. Review status: criteria provided, single submitter. Criteria: ACMG Guidelines, 2015. Collection method: clinical testing. Allele origin: germline. Inheritance: Autosomal recessive inheritance. Affected: yes.

Kariminejad - Najmabadi Pathology & Genetics Center
Classification: Likely pathogenic for Charcot-Marie-Tooth disease, axonal, type 2EE; Mitochondrial DNA depletion syndrome 6 (hepatocerebral type). Last evaluated: 2022-08-12. Review status: criteria provided, single submitter. Criteria: ACMG Guidelines, 2015. Collection method: clinical testing. Allele origin: germline. Inheritance: Autosomal recessive inheritance. Affected: yes.
Comment: PP5_strong,PM2-PS3?

Kariminejad - Najmabadi Pathology & Genetics Center
Classification: Likely pathogenic for Charcot-Marie-Tooth disease, axonal, type 2EE. Last evaluated: 2021-02-16. Review status: criteria provided, single submitter. Criteria: ACMG Guidelines, 2015. Collection method: clinical testing. Allele origin: germline. Inheritance: Autosomal recessive inheritance. Affected: yes.
Comment: [PM2, PM3-strong]

Institute of Human Genetics Munich, TUM University Hospital
Classification: Pathogenic for Charcot-Marie-Tooth disease, axonal, type 2EE. Last evaluated: 2019-10-24. Review status: criteria provided, single submitter. Criteria: Classification criteria August 2017. Collection method: clinical testing. Allele origin: germline. Inheritance: Autosomal recessive inheritance. Affected: yes. Observed: 1 homozygote.

Institute of Human Genetics, University of Leipzig Medical Center
Classification: Likely pathogenic for Charcot-Marie-Tooth disease, axonal, type 2EE. Last evaluated: 2019-01-01. Review status: criteria provided, single submitter. Criteria: ACMG Guidelines, 2015. Collection method: clinical testing. Allele origin: unknown. Affected: yes.

Undiagnosed Diseases Network, NIH
Classification: Likely pathogenic for MPV17-related mitochondrial DNA maintenance defect. Last evaluated: 2018-09-05. Review status: criteria provided, single submitter. Criteria: ACMG Guidelines, 2015. Collection method: clinical testing. Allele origin: paternal. Inheritance: Autosomal recessive inheritance. Affected: yes. Observed: 1 variant allele, 1 compound heterozygote.
Comment: RNA sequencing showed change in splicing

Eurofins Ntd Llc (ga)
Classification: Uncertain significance. Last evaluated: 2017-07-20. Review status: criteria provided, single submitter. Criteria: EGL Classification Definitions 2015. Collection method: clinical testing. Allele origin: germline. Observed: 1 variant allele, 1 heterozygote.

OMIM
Classification: Pathogenic for CHARCOT-MARIE-TOOTH DISEASE, AXONAL, TYPE 2EE. Last evaluated: 2019-04-29. Review status: no assertion criteria provided. Collection method: literature only. Allele origin: germline. Not counted in ClinVar's aggregate classification.

Literature cited by the submitters: PubMed 30298599 (cited by 3 submitters); PubMed 31607746 (cited by Natera, Inc.).

NM_002437.5(MPV17):c.376-9T>G

Genes: MPV17 (mitochondrial inner membrane protein MPV17; minus strand), TRIM54 (tripartite motif containing 54; plus strand), UCN (urocortin; minus strand). Cytogenetic location: 2p23.3.
Variant type: single nucleotide variant.
Coding change: c.376-9T>G on transcript NM_002437.5 (MANE Select); 9 bases into the intron before coding-DNA position 376, T replaced by G.
Molecular consequence: intron variant.
Genome position (GRCh38, 1-based): chr2:27,312,255, A>C on the plus strand (T>G on the coding strand, the complement: MPV17 is on the minus strand). VCF-style: chr2-27312255-A-C. GRCh37 (hg19) VCF-style: chr2-27535123-A-C.
Other names: IVS5, T-G, -9.
Identifiers: ClinVar variation 593343 (VCV000593343.27), dbSNP rs368900406, ClinGen allele CA44517816.
Genomic context (GRCh38, chr2:27,312,255, plus strand): 5'-TTGAGGTGTCAGCTCTTACATAGTAGTTGGTGATAAGGGCATCAGGATAATCCTGGGGAG[A>C]CAGAGAAGGAACAAATTAACACTTGCGCCTCCAAGCAGCTCCCACTTCCCAGTATGAATG-3'